The following is an entry in ClinVar:

ClinVar aggregate classification (germline): Uncertain significance. Review status: criteria provided, multiple submitters, no conflicts (2 of 4 stars). 2 submissions from 2 submitters: Uncertain significance (2). Last evaluated 2025-03-07.

Conditions:
AFF3-related disorder. Also called: AFF3-related condition.
Inborn genetic diseases. Identifiers: MedGen C0950123, MeSH D030342.

gnomAD v4.1: 90 of 1,613,980 alleles (0.0056%); highest among the groups gnomAD compares: Non-Finnish European, 0.0068%; no homozygotes.

Submissions (2):

PreventionGenetics, part of Exact Sciences
Classification: Uncertain significance for AFF3-related condition. Last evaluated: 2025-03-07. Review status: criteria provided, single submitter. Criteria: ACMG Guidelines, 2015. Collection method: clinical testing. Allele origin: germline.
Comment: The AFF3 c.2926A>G variant is predicted to result in the amino acid substitution p.Ser976Gly. To our knowledge, this variant has not been reported in the literature. This variant is reported in 0.0096% of alleles in individuals of Ashkenazi Jewish descent in gnomAD. At this time, the clinical significance of this variant is uncertain due to the absence of conclusive functional and genetic evidence.

Ambry Genetics
Classification: Uncertain significance for Inborn genetic diseases. Last evaluated: 2025-01-28. Review status: criteria provided, single submitter. Criteria: Ambry Variant Classification Scheme 2023. Collection method: clinical testing. Allele origin: germline.

NM_001386135.1(AFF3):c.2926A>G (p.Ser976Gly)

Gene: AFF3 (ALF transcription elongation factor 3; minus strand). Cytogenetic location: 2q11.2.
Variant type: single nucleotide variant.
Coding change: c.2926A>G on transcript NM_001386135.1 (MANE Select); coding-DNA position 2926, A replaced by G.
Protein change: p.Ser976Gly; replaces serine 976 with glycine.
Molecular consequence: missense variant.
Genome position (GRCh38, 1-based): chr2:99,568,908, T>C on the plus strand (A>G on the coding strand, the complement: AFF3 is on the minus strand). VCF-style: chr2-99568908-T-C. GRCh37 (hg19) VCF-style: chr2-100185370-T-C.
Other names: c.3001A>G, p.Ser1001Gly (NM_001025108.2); c.2926A>G, p.Ser976Gly (NM_002285.3); c.2926A>G (NM_002285.2); short protein forms S1001G, S976G.
Identifiers: ClinVar variation 3840167 (VCV003840167.2).